The following is an entry in ClinVar:

NM_015346.4(ZFYVE26):c.6360del (p.Phe2120fs)

Gene: ZFYVE26 (zinc finger FYVE-type containing 26; minus strand). Cytogenetic location: 14q24.1.
Variant type: Deletion.
Coding change: c.6360del on transcript NM_015346.4 (MANE Select); coding-DNA position 6360, one base deleted (T; older notation c.6360delT).
Protein change: p.Phe2120fs; shifts the reading frame from phenylalanine 2120.
Molecular consequence: frameshift variant.
Genome position (GRCh38, 1-based): chr14:67,762,212, A deleted on the plus strand (T on the coding strand, the reverse complement: ZFYVE26 is on the minus strand); the first of 3 consecutive A bases (chr14:67,762,212-67,762,214); deleting any one gives the same sequence. VCF-style (leftmost placement, unchanged base first): chr14-67762211-CA-C. GRCh37 (hg19) VCF-style: chr14-68228928-CA-C.
Other names: short protein forms F2120fs.
Identifiers: ClinVar variation 1076426 (VCV001076426.7), dbSNP rs2140193931, ClinGen allele CA2499222695.
Genomic context (GRCh38, chr14:67,762,211, plus strand): 5'-TATTCCTGGGTCTCCCTCCCTGAGCCAGGCACTCTTCCTGCCTTGCTCTTACCAAGGATA[CA>C]AAGGGCCTCACTGTGGACTCTAGGTACTCAACCACATCCTGCACCAGCCTTGAGCCATGA-3'

ClinVar aggregate classification (germline): Pathogenic (1 of 4 stars; one submission).

Conditions:
Spastic paraplegia. Identifiers: MedGen C0037772, HP:0001258.

Submission:

Labcorp Genetics (formerly Invitae), Labcorp
Classification: Pathogenic for Spastic paraplegia. Last evaluated: 2020-09-07. Review status: criteria provided, single submitter. Criteria: Invitae Variant Classification Sherloc (09022015). Collection method: clinical testing. Allele origin: germline.
Comment: For these reasons, this variant has been classified as Pathogenic. Loss-of-function variants in ZFYVE26 are known to be pathogenic (PMID: 18394578, 19805727). This variant has not been reported in the literature in individuals with ZFYVE26-related conditions. This variant is not present in population databases (ExAC no frequency). This sequence change creates a premature translational stop signal (p.Phe2120Leufs*13) in the ZFYVE26 gene. It is expected to result in an absent or disrupted protein product.

Literature cited by the submitters: PubMed 18394578; PubMed 19805727.